The following is an entry in ClinVar:

ClinVar aggregate classification (germline): Uncertain significance. Review status: criteria provided, multiple submitters, no conflicts (2 of 4 stars). 2 submissions from 2 submitters: Uncertain significance (2). Last evaluated 2025-08-27.

Conditions:
Hereditary cancer-predisposing syndrome. Also called: Hereditary Cancer Syndrome; Hereditary neoplastic syndrome; Neoplastic Syndromes, Hereditary; Tumor predisposition. Identifiers: Orphanet 140162, MedGen C0027672, MeSH D009386, MONDO:0015356.
Familial adenomatous polyposis 2. Also called: MUTYH-associated polyposis; Adenomas, multiple colorectal; COLORECTAL ADENOMATOUS POLYPOSIS, AUTOSOMAL RECESSIVE; ADENOMAS, MULTIPLE COLORECTAL, AUTOSOMAL RECESSIVE; MUTYH-related attenuated familial adenomatous polyposis; MYH-associated polyposis. Identifiers: Orphanet 220460, Orphanet 247798, MedGen C3272841, MONDO:0012041, OMIM 608456.

Submissions (2):

Ambry Genetics
Classification: Uncertain significance for Hereditary cancer-predisposing syndrome. Last evaluated: 2025-08-27. Review status: criteria provided, single submitter. Criteria: Ambry Variant Classification Scheme 2023. Collection method: clinical testing. Allele origin: germline.
Comment: The p.Q293R variant (also known as c.878A>G), located in coding exon 10 of the MUTYH gene, results from an A to G substitution at nucleotide position 878. The glutamine at codon 293 is replaced by arginine, an amino acid with highly similar properties. This amino acid position is conserved. In addition, this alteration is predicted to be tolerated by in silico analysis. Based on the available evidence, the clinical significance of this variant remains unclear.

Labcorp Genetics (formerly Invitae), Labcorp
Classification: Uncertain significance for Familial adenomatous polyposis 2. Last evaluated: 2023-08-23. Review status: criteria provided, single submitter. Criteria: Invitae Variant Classification Sherloc (09022015). Collection method: clinical testing. Allele origin: germline.
Comment: This variant is not present in population databases (gnomAD no frequency). This sequence change replaces glutamine, which is neutral and polar, with arginine, which is basic and polar, at codon 293 of the MUTYH protein (p.Gln293Arg). This variant has not been reported in the literature in individuals affected with MUTYH-related conditions. Algorithms developed to predict the effect of missense changes on protein structure and function output the following: SIFT: "Not Available"; PolyPhen-2: "Benign"; Align-GVGD: "Not Available". The arginine amino acid residue is found in multiple mammalian species, which suggests that this missense change does not adversely affect protein function. In summary, the available evidence is currently insufficient to determine the role of this variant in disease. Therefore, it has been classified as a Variant of Uncertain Significance.

NM_001048174.2(MUTYH):c.794A>G (p.Gln265Arg)

Gene: MUTYH (mutY DNA glycosylase; minus strand). Cytogenetic location: 1p34.1.
Variant type: single nucleotide variant.
Coding change: c.794A>G on transcript NM_001048174.2 (MANE Select); coding-DNA position 794, A replaced by G.
Protein change: p.Gln265Arg; replaces glutamine 265 with arginine.
Molecular consequence: missense variant. On other transcripts: non-coding transcript variant (7).
Genome position (GRCh38, 1-based): chr1:45,332,221, T>C on the plus strand (A>G on the coding strand, the complement: MUTYH is on the minus strand). VCF-style: chr1-45332221-T-C. GRCh37 (hg19) VCF-style: chr1-45797893-T-C.
Other names: c.794A>G, p.Gln265Arg (NM_001293195.2, NM_001407070.1, NM_001407072.1 and 6 more transcripts); c.518A>G, p.Gln173Arg (NM_001293196.2, NM_001293192.2, NM_001407091.1); c.449A>G, p.Gln150Arg (NM_001350650.2, NM_001350651.2, NM_001407082.1); c.827A>G, p.Gln276Arg (NM_001407069.1, NM_001293191.2, NM_001407077.1); c.797A>G, p.Gln266Arg (NM_001407071.1, NM_001048172.2, NM_001407078.1 and 1 more transcripts); c.710A>G, p.Gln237Arg (NM_001407075.1); c.878A>G, p.Gln293Arg (NM_001128425.2); c.839A>G, p.Gln280Arg (NM_001293190.2); and 5 more; short protein forms Q237R, Q251R, Q252R, Q266R, Q276R, Q279R, Q290R, Q280R.
Identifiers: ClinVar variation 2754504 (VCV002754504.4), dbSNP rs2524077153, ClinGen allele CA340134481.